The following is an entry in ClinVar:

ClinVar aggregate classification (germline): Uncertain significance (1 of 4 stars; one submission).

Submission:

CeGaT Center for Human Genetics Tuebingen
Classification: Uncertain significance. Last evaluated: 2024-07-01. Review status: criteria provided, single submitter. Criteria: CeGaT Center For Human Genetics Tuebingen Variant Classification Criteria Version 2. Collection method: clinical testing. Allele origin: germline. Affected: yes. Observed: 1 variant allele.
Comment: PSEN2: PM2

NC_000001.11:g.226917519T>A

Gene: PSEN2 (presenilin 2; plus strand). Cytogenetic location: 1q42.13.
Variant type: single nucleotide variant.
Genome position: GRCh38 VCF-style: chr1-226917519-T-A. GRCh37 (hg19) VCF-style: chr1-227105220-T-A.
Identifiers: ClinVar variation 3257162 (VCV003257162.17).